The following is an entry in ClinVar:

NM_004006.3(DMD):c.3015G>T (p.Glu1005Asp)

Gene: DMD (dystrophin; minus strand). Cytogenetic location: Xp21.1.
Variant type: single nucleotide variant.
Coding change: c.3015G>T on transcript NM_004006.3 (MANE Select); coding-DNA position 3015, G replaced by T.
Protein change: p.Glu1005Asp; replaces glutamic acid 1005 with aspartic acid.
Molecular consequence: missense variant.
Genome position (GRCh38, 1-based): chrX:32,468,645, C>A on the plus strand (G>T on the coding strand, the complement: DMD is on the minus strand). VCF-style: chrX-32468645-C-A. GRCh37 (hg19) VCF-style: chrX-32486762-C-A.
Other names: c.2991G>T, p.Glu997Asp (NM_000109.4); c.3003G>T, p.Glu1001Asp (NM_004009.3); c.2646G>T, p.Glu882Asp (NM_004010.3); short protein forms E1005D, E997D, E1001D, E882D.
Identifiers: ClinVar variation 1798847 (VCV001798847.7), dbSNP rs757378668, ClinGen allele CA412667052.

ClinVar aggregate classification (germline): Conflicting classifications of pathogenicity. Review status: criteria provided, conflicting classifications (1 of 4 stars). 2 submissions from 2 submitters: Uncertain significance (1); Likely benign (1). Last evaluated 2024-07-29.

Conditions:
Duchenne muscular dystrophy (DMD). Also called: MUSCULAR DYSTROPHY, PSEUDOHYPERTROPHIC PROGRESSIVE, DUCHENNE TYPE; Duchenne Muscular Dystrophy (DMD). Identifiers: Orphanet 98896, MedGen C0013264, MONDO:0010679, OMIM 310200.
Cardiovascular phenotype. Identifiers: MedGen CN230736.

Allele frequency attached by ClinVar (database versions not stated): TOPMed 0.00001; gnomAD 0.00003.
gnomAD v4.1: 3 of 1,209,608 alleles (0.00025%); highest among the groups gnomAD compares: African/African-American, 0.0052%; no homozygotes.

Submissions (2):

Labcorp Genetics (formerly Invitae), Labcorp
Classification: Likely benign for Duchenne muscular dystrophy. Last evaluated: 2024-07-29. Review status: criteria provided, single submitter. Criteria: Invitae Variant Classification Sherloc (09022015). Collection method: clinical testing. Allele origin: germline.

Ambry Genetics
Classification: Uncertain significance for Cardiovascular phenotype. Last evaluated: 2021-07-16. Review status: criteria provided, single submitter. Criteria: Ambry Variant Classification Scheme 2023. Collection method: clinical testing. Allele origin: germline.
Comment: The p.E1005D variant (also known as c.3015G>T), located in coding exon 23 of the DMD gene, results from a G to T substitution at nucleotide position 3015. The glutamic acid at codon 1005 is replaced by aspartic acid, an amino acid with highly similar properties. Based on data from gnomAD, the T allele has an overall frequency of 0.004565% (1/21906) total alleles studied, with 1 hemizygote observed. The highest observed frequency was 0.01693% (1/5908) of African American alleles. This amino acid position is not well conserved in available vertebrate species, and aspartic acid is the reference amino acid in other vertebrate species. In addition, this alteration is predicted to be tolerated by in silico analysis. Since supporting evidence is limited at this time, the clinical significance of this alteration remains unclear.